The following is an entry in ClinVar:

ClinVar aggregate classification (germline): Likely benign (1 of 4 stars; one submission).

Conditions:
SIX3-related disorder. Also called: SIX3-Related Disorders; SIX3-related condition.

Submission:

PreventionGenetics, part of Exact Sciences
Classification: Likely benign for SIX3-related condition. Last evaluated: 2026-07-09. Review status: criteria provided, single submitter. Criteria: ACMG Guidelines, 2015. Collection method: clinical testing. Allele origin: germline.
Comment: This variant is classified as likely benign based on ACMG/AMP sequence variant interpretation guidelines (Richards et al. 2015 PMID: 25741868, with internal and published modifications).

NM_005413.4(SIX3):c.897G>A (p.Thr299=)

Gene: SIX3 (SIX homeobox 3; plus strand). Cytogenetic location: 2p21.
Variant type: single nucleotide variant.
Coding change: c.897G>A on transcript NM_005413.4 (MANE Select); coding-DNA position 897, G replaced by A.
Protein change: p.Thr299=; no amino-acid change (threonine 299 retained).
Molecular consequence: synonymous variant.
Genome position (GRCh38, 1-based): chr2:44,944,658, G>A. VCF-style: chr2-44944658-G-A. GRCh37 (hg19) VCF-style: chr2-45171797-G-A.
Identifiers: ClinVar variation 4995882 (VCV004995882.1).